The following is an entry in ClinVar:

ClinVar aggregate classification (germline): Uncertain significance (1 of 4 stars; one submission).

Allele frequency attached by ClinVar (database versions not stated): gnomAD exomes below 0.00001 and 0.00001.
gnomAD v4.1: 2 of 1,592,768 alleles (0.00013%); highest among the groups gnomAD compares: South Asian, 0.0023%; 1 homozygote.

Submission:

Women's Health and Genetics/Laboratory Corporation of America, LabCorp
Classification: Uncertain significance. Last evaluated: 2022-06-24. Review status: criteria provided, single submitter. Criteria: LabCorp Variant Classification Summary - May 2015. Collection method: clinical testing. Allele origin: germline.
Comment: Variant summary: TRAPPC11 c.2976G>A (p.Met992Ile) results in a conservative amino acid change in the encoded protein sequence. Five of five in-silico tools predict a benign effect of the variant on protein function. The variant allele was found at a frequency of 8e-06 in 251298 control chromosomes in the gnomAD database, including 1 homozygotes. The available data on variant occurrences in the general population are insufficient to allow any conclusion about variant significance. To our knowledge, no occurrence of c.2976G>A in individuals affected with Limb-Girdle Muscular Dystrophy, Autosomal Recessive and no experimental evidence demonstrating its impact on protein function have been reported. No clinical diagnostic laboratories have submitted clinical-significance assessments for this variant to ClinVar after 2014. Based on the evidence outlined above, the variant was classified as uncertain significance.

NM_021942.6(TRAPPC11):c.2976G>A (p.Met992Ile)

Gene: TRAPPC11 (trafficking protein particle complex subunit 11; plus strand). Cytogenetic location: 4q35.1.
Variant type: single nucleotide variant.
Coding change: c.2976G>A on transcript NM_021942.6 (MANE Select); coding-DNA position 2976, G replaced by A.
Protein change: p.Met992Ile; replaces methionine 992 with isoleucine.
Molecular consequence: missense variant.
Genome position (GRCh38, 1-based): chr4:183,704,991, G>A. VCF-style: chr4-183704991-G-A. GRCh37 (hg19) VCF-style: chr4-184626144-G-A.
Other names: c.2976G>A, p.Met992Ile (NM_199053.3); short protein forms M992I.
Identifiers: ClinVar variation 1698637 (VCV001698637.1), dbSNP rs1363823033, ClinGen allele CA358874092.